The following is an entry in ClinVar:

NM_139318.5(KCNH5):c.1388T>C (p.Ile463Thr)

Gene: KCNH5 (potassium voltage-gated channel subfamily H member 5; minus strand). Cytogenetic location: 14q23.2.
Variant type: single nucleotide variant.
Coding change: c.1388T>C on transcript NM_139318.5 (MANE Select); coding-DNA position 1388, T replaced by C.
Protein change: p.Ile463Thr; replaces isoleucine 463 with threonine.
Molecular consequence: missense variant.
Genome position (GRCh38, 1-based): chr14:62,849,834, A>G on the plus strand (T>C on the coding strand, the complement: KCNH5 is on the minus strand). VCF-style: chr14-62849834-A-G. GRCh37 (hg19) VCF-style: chr14-63316552-A-G.
Other names: I463T; c.1388T>C, p.Ile463Thr (NM_172375.3); c.1388T>C (NM_139318.3).
Identifiers: ClinVar variation 2583107 (VCV002583107.4), dbSNP rs2502867283, ClinGen allele CA390102608.
Genomic context (GRCh38, chr14:62,849,834, plus strand): 5'-TCATGGTATCGGTTGGTGTTGGCATACATTTGCTGGAAAATTGTTGTAACATTTCCAAAA[A>G]TAGTTGCATAAAGAAGAGCTGAAAGAGAAGAAATGATAAAAATAAAACAAATATCTCATG-3'
Protein context (NP_647479.2, residues 453-473): MMVGSLLYAT[Ile463Thr]FGNVTTIFQQ

ClinVar aggregate classification (germline): Uncertain significance. Review status: criteria provided, single submitter (1 of 4 stars). 2 submissions from 2 submitters: Uncertain significance (1). 1 of the submissions does not count toward it. Last evaluated 2023-09-18.

Conditions:
Developmental and epileptic encephalopathy 112. Identifiers: MedGen C5882700, MONDO:0957812, OMIM 620537.
Inborn genetic diseases. Identifiers: MedGen C0950123, MeSH D030342.

Submissions (2):

Ambry Genetics
Classification: Uncertain significance for Inborn genetic diseases. Last evaluated: 2023-09-18. Review status: criteria provided, single submitter. Criteria: Ambry Variant Classification Scheme 2023. Collection method: clinical testing. Allele origin: germline.
Comment: The c.1388T>C (p.I463T) alteration is located in exon 8 (coding exon 8) of the KCNH5 gene. This alteration results from a T to C substitution at nucleotide position 1388, causing the isoleucine (I) at amino acid position 463 to be replaced by a threonine (T). This variant was not reported in population-based cohorts in the Genome Aggregation Database (gnomAD). This variant was reported de novo in one individual with features consistent with KCNH5-related neurodevelopmental disorder (Happ, 2023). This amino acid position is highly conserved in available vertebrate species. This alteration is located at the junction of the S6 transmembrane pore-forming domain (Happ, 2023). This alteration is predicted to be deleterious by in silico analysis. Based on insufficient or conflicting evidence, the clinical significance of this alteration remains unclear.

OMIM
Classification: Pathogenic for DEVELOPMENTAL AND EPILEPTIC ENCEPHALOPATHY 112. Last evaluated: 2026-04-01. Review status: no assertion criteria provided. Collection method: literature only. Allele origin: germline. Not counted in ClinVar's aggregate classification.

Literature cited by the submitters: PubMed 36307226 (cited by Ambry Genetics); PubMed 34136434 (cited by OMIM).